The following is an entry in ClinVar:

ClinVar aggregate classification (germline): Uncertain significance. Review status: criteria provided, multiple submitters, no conflicts (2 of 4 stars). 3 submissions from 3 submitters: Uncertain significance (3). Last evaluated 2025-07-09.

Conditions:
Cardiovascular phenotype. Identifiers: MedGen CN230736.
Sitosterolemia 1. Identifiers: MedGen C2749759, MONDO:0020747, OMIM 210250.

Allele frequency attached by ClinVar (database versions not stated): gnomAD 0.00004 and 0.00003; ESP Exome Variant Server 0.00015; ExAC 0.00002; gnomAD exomes 0.00002; TOPMed 0.00002.
gnomAD v4.1: 30 of 1,614,050 alleles (0.0019%); highest among the groups gnomAD compares: African/African-American, 0.0093%; no homozygotes.

Submissions (3):

Ambry Genetics
Classification: Uncertain significance for Cardiovascular phenotype. Last evaluated: 2025-07-09. Review status: criteria provided, single submitter. Criteria: Ambry Variant Classification Scheme 2023. Collection method: clinical testing. Allele origin: germline.
Comment: The p.S288F variant (also known as c.863C>T), located in coding exon 6 of the ABCG8 gene, results from a C to T substitution at nucleotide position 863. The serine at codon 288 is replaced by phenylalanine, an amino acid with highly dissimilar properties. This amino acid position is conserved. In addition, this alteration is predicted to be tolerated by in silico analysis. Since supporting evidence is limited at this time, the clinical significance of this alteration remains unclear.

Revvity Omics, Revvity
Classification: Uncertain significance for Sitosterolemia 1. Last evaluated: 2024-10-08. Review status: criteria provided, single submitter. Criteria: ACMG Guidelines, 2015. Collection method: clinical testing. Allele origin: germline.

Eurofins Ntd Llc (ga)
Classification: Uncertain significance. Last evaluated: 2017-08-03. Review status: criteria provided, single submitter. Criteria: EGL Classification Definitions 2015. Collection method: clinical testing. Allele origin: germline. Observed: 2 variant alleles, 2 heterozygotes.

NM_022437.3(ABCG8):c.863C>T (p.Ser288Phe)

Gene: ABCG8 (ATP binding cassette subfamily G member 8; plus strand). Cytogenetic location: 2p21.
Variant type: single nucleotide variant.
Coding change: c.863C>T on transcript NM_022437.3 (MANE Select); coding-DNA position 863, C replaced by T.
Protein change: p.Ser288Phe; replaces serine 288 with phenylalanine.
Molecular consequence: missense variant.
Genome position (GRCh38, 1-based): chr2:43,852,767, C>T. VCF-style: chr2-43852767-C-T. GRCh37 (hg19) VCF-style: chr2-44079906-C-T.
Other names: c.863C>T (NM_022437.2); c.863C>T, p.Ser288Phe (NM_001357321.2); short protein forms S288F.
Identifiers: ClinVar variation 593315 (VCV000593315.9), dbSNP rs373586893, ClinGen allele CA1637185.